The following is an entry in ClinVar:

NM_025150.5(TARS2):c.264-9C>T

Gene: TARS2 (threonyl-tRNA synthetase 2, mitochondrial; plus strand). Cytogenetic location: 1q21.2.
Variant type: single nucleotide variant.
Coding change: c.264-9C>T on transcript NM_025150.5 (MANE Select); 9 bases into the intron before coding-DNA position 264, C replaced by T.
Molecular consequence: intron variant.
Genome position (GRCh38, 1-based): chr1:150,488,955, C>T. VCF-style: chr1-150488955-C-T. GRCh37 (hg19) VCF-style: chr1-150461431-C-T.
Other names: c.264-9C>T (NM_001271895.2, NM_001271896.2).
Identifiers: ClinVar variation 3040414 (VCV003040414.2), dbSNP rs370294229, ClinGen allele CA30059231.

ClinVar aggregate classification (germline): Likely benign (0 of 4 stars; one submission).

Conditions:
TARS2-related disorder. Also called: TARS2-related condition.

Allele frequency attached by ClinVar (database versions not stated): gnomAD exomes 0.00002; TOPMed 0.00003; gnomAD 0.00004; ESP Exome Variant Server 0.00008.
gnomAD v4.1: 35 of 1,610,672 alleles (0.0022%); highest among the groups gnomAD compares: Non-Finnish European, 0.0029%; 1 homozygote.

Submission:

PreventionGenetics, part of Exact Sciences
Classification: Likely benign for TARS2-related condition. Last evaluated: 2019-09-17. Review status: no assertion criteria provided. Collection method: clinical testing. Allele origin: germline.
Comment: This variant is classified as likely benign based on ACMG/AMP sequence variant interpretation guidelines (Richards et al. 2015 PMID: 25741868, with internal and published modifications).